The following is an entry in ClinVar:

NM_000368.5(TSC1):c.966G>C (p.Met322Ile)

Gene: TSC1 (TSC complex subunit 1; minus strand). Cytogenetic location: 9q34.13.
Variant type: single nucleotide variant.
Coding change: c.966G>C on transcript NM_000368.5 (MANE Select); coding-DNA position 966, G replaced by C.
Protein change: p.Met322Ile; replaces methionine 322 with isoleucine.
Molecular consequence: missense variant. On other transcripts: 5 prime UTR variant (2), non-coding transcript variant (5).
Genome position (GRCh38, 1-based): chr9:132,911,516, C>G on the plus strand (G>C on the coding strand, the complement: TSC1 is on the minus strand). VCF-style: chr9-132911516-C-G. GRCh37 (hg19) VCF-style: chr9-135786903-C-G.
Other names: c.966G>C, p.Met322Ile (NM_001162426.2, NM_001406592.1, NM_001406593.1 and 16 more transcripts); c.813G>C, p.Met271Ile (NM_001162427.2, NM_001406610.1, NM_001406611.1 and 2 more transcripts); c.603G>C, p.Met201Ile (NM_001362177.2, NM_001406620.1, NM_001406621.1 and 10 more transcripts); c.15G>C, p.Met5Ile (NM_001406626.1, NM_001406627.1, NM_001406628.1); c.-128G>C (NM_001406629.1, NM_001406630.1); short protein forms M271I, M322I, M201I, M5I.
Identifiers: ClinVar variation 3720849 (VCV003720849.2).

ClinVar aggregate classification (germline): Uncertain significance (1 of 4 stars; one submission).

Conditions:
Tuberous sclerosis 1 (TSC1). Identifiers: Orphanet 805, MedGen C1854465, MONDO:0008612, OMIM 191100.

Submission:

Labcorp Genetics (formerly Invitae), Labcorp
Classification: Uncertain significance for Tuberous sclerosis 1. Last evaluated: 2024-10-04. Review status: criteria provided, single submitter. Criteria: Invitae Variant Classification Sherloc (09022015). Collection method: clinical testing. Allele origin: germline.
Comment: This sequence change replaces methionine, which is neutral and non-polar, with isoleucine, which is neutral and non-polar, at codon 322 of the TSC1 protein (p.Met322Ile). This variant is not present in population databases (gnomAD no frequency). This variant has not been reported in the literature in individuals affected with TSC1-related conditions. Invitae Evidence Modeling of protein sequence and biophysical properties (such as structural, functional, and spatial information, amino acid conservation, physicochemical variation, residue mobility, and thermodynamic stability) indicates that this missense variant is not expected to disrupt TSC1 protein function with a negative predictive value of 95%. In summary, the available evidence is currently insufficient to determine the role of this variant in disease. Therefore, it has been classified as a Variant of Uncertain Significance.